The following is an entry in ClinVar:

ClinVar aggregate classification (germline): Pathogenic/Likely pathogenic. Review status: criteria provided, multiple submitters, no conflicts (2 of 4 stars). 14 submissions from 11 submitters: Pathogenic (7); Likely pathogenic (3). 4 of the submissions do not count toward it. Last evaluated 2026-01-15.

Conditions:
CFTR-related disorder (CFTR-RD). Also called: CFTR-related disorders; CFTR-related condition. Identifiers: MedGen C5924204, MONDO:7770004.
Respiratory ciliopathies including non-CF bronchiectasis.
Cystic fibrosis (CF). Also called: MUCOVISCIDOSIS. Identifiers: Orphanet 586, MedGen C0010674, MONDO:0009061, OMIM 219700. Disease mechanism: loss of function.
Congenital bilateral aplasia of vas deferens from CFTR mutation (CBAVD). Identifiers: Orphanet 48, MedGen C0403814, MONDO:0010178, OMIM 277180. Disease mechanism: loss of function.
Hereditary pancreatitis (PCTT). Also called: Hereditary chronic pancreatitis; PRSS1-Related Hereditary Pancreatitis. Identifiers: Orphanet 676, MedGen C0238339, MONDO:0008185, OMIM 167800.
Bronchiectasis with or without elevated sweat chloride 1 (BESC1). Also called: Cystic Fibrosis-Like Syndrome. Identifiers: Orphanet 60033, MedGen C2749757, MONDO:0008887, OMIM 211400.
SWEAT CHLORIDE ELEVATION WITHOUT CYSTIC FIBROSIS. Identifiers: MedGen C4016791.

Allele frequency attached by ClinVar (database versions not stated): gnomAD exomes 0.00001; gnomAD 0.00001; TOPMed 0.00002; ExAC 0.00001.
gnomAD v4.1: 17 of 1,613,946 alleles (0.0011%); highest among the groups gnomAD compares: Middle Eastern, 0.049%; no homozygotes.

Submissions (14):

Natera, Inc.
Classification: Pathogenic for CFTR-related disorders. Last evaluated: 2026-01-15. Review status: criteria provided, single submitter. Criteria: Natera Variant Classification Schema (03/2026). Collection method: clinical testing. Allele origin: germline.
Comment: The c.4364C>G variant in CFTR is a nonsense variant predicted to introduce a stop codon at amino acid 1455. This variant is expected to result in nonsense mediated decay, truncation, or a dysfunctional protein product. This variant is rare in the general population with a frequency below the threshold expected for the associated phenotype(s). This variant has been observed in one or more individuals affected with the associated recessive disease, as either homozygous or compound heterozygous with a second variant (PMID: 30548586, 17662673). Given the available evidence, this variant is classified as Pathogenic.

Labcorp Genetics (formerly Invitae), Labcorp
Classification: Pathogenic for Cystic fibrosis. Last evaluated: 2026-01-05. Review status: criteria provided, single submitter. Criteria: Invitae Variant Classification Sherloc (09022015). Collection method: clinical testing. Allele origin: germline.
Comment: This sequence change creates a premature translational stop signal (p.Ser1455*) in the CFTR gene. While this is not anticipated to result in nonsense mediated decay, it is expected to disrupt the last 26 amino acid(s) of the CFTR protein. This variant is present in population databases (rs121909043, gnomAD 0.003%). This premature translational stop signal has been observed in individuals with cystic fibrosis (PMID: 17662673, 23276700, 24388274, 25304080, 27728908). This variant is also known as delta26. ClinVar contains an entry for this variant (Variation ID: 7223). Algorithms developed to predict the effect of variants on gene product structure and function are not available or were not evaluated for this variant. Experimental studies are conflicting or provide insufficient evidence to determine the effect of this variant on CFTR function (PMID: 9499426, 10562297, 12651858). For these reasons, this variant has been classified as Pathogenic.

NHS Central & South Genomic Laboratory Hub
Classification: Pathogenic for Respiratory ciliopathies including non-CF bronchiectasis. Last evaluated: 2025-07-01. Review status: criteria provided, single submitter. Criteria: ACMG Guidelines, 2015. Collection method: clinical testing. Allele origin: germline. Affected: yes.

Baylor Genetics
Classification: Pathogenic for Bronchiectasis with or without elevated sweat chloride 1. Last evaluated: 2024-03-12. Review status: criteria provided, single submitter. Criteria: ACMG Guidelines, 2015. Collection method: clinical testing. Allele origin: unknown.

Fulgent Genetics
Classification: Pathogenic for Hereditary pancreatitis; Bronchiectasis with or without elevated sweat chloride 1; Cystic fibrosis; Congenital bilateral aplasia of vas deferens from CFTR mutation. Last evaluated: 2024-03-01. Review status: criteria provided, single submitter. Criteria: ACMG Guidelines, 2015. Collection method: clinical testing. Allele origin: germline.

Ambry Genetics
Classification: Pathogenic for Cystic fibrosis. Last evaluated: 2023-07-06. Review status: criteria provided, single submitter. Criteria: Ambry Variant Classification Scheme 2023. Collection method: clinical testing. Allele origin: germline.
Comment: The p.S1455* pathogenic mutation (also known as c.4364C>G), located in coding exon 27 of the CFTR gene, results from a C to G substitution at nucleotide position 4364. This changes the amino acid from a serine to a stop codon within coding exon 27. This alteration occurs at the 3' terminus of theCFTR gene, is not expected to trigger nonsense-mediated mRNA decay, and only impacts the last 26 amino acids of the protein. However, premature stop codons are typically deleterious in nature, and the impacted region is critical for protein function (Ambry internal data). This alteration has been reported as a variant of varying clinical consequences (VVCC) (Sosnay PR et al. Pediatr. Clin. North Am., 2016 08;63:585-98; The Clinical and Functional TRanslation of CFTR (CFTR2); available at CFTR2. Accessed July 6, 2023). In one study, this alteration was detected in trans with a gross deletion in mother and daughter who had isolated elevated sweat chloride levels, but no clinical manifestation of cystic fibrosis (Mickle JE et al. Hum. Mol. Genet., 1998 Apr;7:729-35). In another study, two siblings with p.F508del in trans with this alteration had elevated sweat chloride levels and no respiratory symptoms or pancreatic involvement (Salvatore D et al. Am. J. Med. Genet. A, 2005 Mar;133A:207-8). Functional studies indicated that this mutation may not alter biosynthesis or maturation of the CFTR protein but may inhibit channel activity and chloride transport (Mickle JE et al. Hum. Mol. Genet., 1998 Apr;7:729-35; Ostedgaard LS et al. Proc. Natl. Acad. Sci. U.S.A., 2003 Feb;100:1937-42; Benharouga M et al. J. Biol. Chem., 2003 Jun;278:22079-89; Sharma N et al. PLoS Genet, 2018 Nov;14:e1007723). This variant is considered to be rare based on population cohorts in the Genome Aggregation Database (gnomAD). Based on the supporting evidence, this alteration is interpreted as a disease-causing mutation.

Revvity Omics, Revvity
Classification: Likely pathogenic. Last evaluated: 2021-10-23. Review status: criteria provided, single submitter. Criteria: ACMG Guidelines, 2015. Collection method: clinical testing. Allele origin: germline.

Women's Health and Genetics/Laboratory Corporation of America, LabCorp
Classification: Pathogenic for Cystic fibrosis. Last evaluated: 2016-06-09. Review status: criteria provided, single submitter. Criteria: LabCorp Variant Classification Summary - May 2015. Collection method: clinical testing. Allele origin: germline.
Comment: Variant Summary: The c.4364C>G (p.Ser1455*) variant in CFTR gene is a nonsense change predicted cause loss of last 26 amino acids of the protein. This variant is found in 1/121108 control chromosomes at a frequency of 0.000008, which does not exceed the maximal expected frequency of a pathogenic allele (0.0129) in this gene. Although in vitro testing showed stable mutant protein and normal chloride channel function in epithelial expression (Mickle_1998), the CFTR protein missing the last 26 amino acids in vivo is expected to associate with elelvated chloride level in patients carrying this variant due to mistargeting of the mutant to the basolateral membrane (Moyer_1999). The variant has been reported in multiple affected individuals and was shown to segregate with the disease in CF families. The variant, by its nature and based on clinical and functional data, is expected to cause non-classic CF. Two reputable databases have classified this variant as pathogenic. Taken together, the variant is classified as Pathogenic.

Baylor Genetics
Classification: Likely pathogenic for Congenital bilateral aplasia of vas deferens from CFTR mutation; Cystic fibrosis. Review status: criteria provided, single submitter. Criteria: ACMG Guidelines, 2015. Collection method: clinical testing. Allele origin: germline.

Kariminejad - Najmabadi Pathology & Genetics Center
Classification: Likely pathogenic for Cystic fibrosis. Review status: criteria provided, single submitter. Criteria: ACMG Guidelines, 2015. Collection method: clinical testing. Allele origin: germline. Affected: no.

Genome Diagnostics Laboratory, The Hospital for Sick Children
Classification: Pathogenic for CFTR-related disorders. Last evaluated: 2019-08-20. Review status: no assertion criteria provided. Collection method: clinical testing. Allele origin: germline. Not counted in ClinVar's aggregate classification.

OMIM
Classification: Pathogenic for SWEAT CHLORIDE ELEVATION WITHOUT CYSTIC FIBROSIS. Last evaluated: 2005-03-01. Review status: no assertion criteria provided. Collection method: literature only. Allele origin: germline. Not counted in ClinVar's aggregate classification.

Baylor Genetics
Classification: Pathogenic for Cystic fibrosis. Review status: no assertion criteria provided. Collection method: clinical testing. Allele origin: unknown. Not counted in ClinVar's aggregate classification.

Genome Diagnostics Laboratory, The Hospital for Sick Children
Classification: Uncertain significance for Cystic fibrosis. Last evaluated: 2019-08-20. Review status: flagged submission. Criteria: ACMG Guidelines, 2015. Collection method: clinical testing. Allele origin: germline. Not counted in ClinVar's aggregate classification.
ClinVar note: Reason: Outlier claim with insufficient supporting evidence

Literature cited by the submitters: PubMed 30548586 (cited by Natera, Inc.); PubMed 17662673 (cited by 4 submitters); PubMed 23276700 (cited by 3 submitters); PubMed 24388274 (cited by 4 submitters); PubMed 25304080 (cited by 3 submitters); PubMed 27728908 (cited by Labcorp Genetics (formerly Invitae), Labcorp); PubMed 9499426 (cited by 5 submitters); PubMed 10562297 (cited by 3 submitters); PubMed 12651858 (cited by 4 submitters); PubMed 12578973 (cited by Ambry Genetics); PubMed 15666307 (cited by 3 submitters); PubMed 16801189 (cited by Ambry Genetics and Women's Health and Genetics/Laboratory Corporation of America, LabCorp); PubMed 25910067 (cited by Ambry Genetics and Women's Health and Genetics/Laboratory Corporation of America, LabCorp); PubMed 25963003 (cited by Ambry Genetics and Women's Health and Genetics/Laboratory Corporation of America, LabCorp); PubMed 30444886 (cited by Ambry Genetics and Baylor Genetics); PubMed 16283887 (cited by Baylor Genetics).

NM_000492.4(CFTR):c.4364C>G (p.Ser1455Ter)

Genes: CFTR (CF transmembrane conductance regulator; plus strand), LOC111674477 (CFTR intron 23 enhancer; plus strand). Cytogenetic location: 7q31.2.
Variant type: single nucleotide variant.
Coding change: c.4364C>G on transcript NM_000492.4 (MANE Select); coding-DNA position 4364, C replaced by G.
Protein change: p.Ser1455Ter; replaces serine 1455 with a stop codon.
Molecular consequence: nonsense.
Genome position (GRCh38, 1-based): chr7:117,667,029, C>G. VCF-style: chr7-117667029-C-G. GRCh37 (hg19) VCF-style: chr7-117307083-C-G.
Other names: short protein forms S1455*.
Identifiers: ClinVar variation 7223 (VCV000007223.28), dbSNP rs121909043, ClinGen allele CA118642.